The following is an entry in ClinVar:

NM_033109.5(PNPT1):c.337C>T (p.Pro113Ser)

Gene: PNPT1 (polyribonucleotide nucleotidyltransferase 1; minus strand). Cytogenetic location: 2p16.1.
Variant type: single nucleotide variant.
Coding change: c.337C>T on transcript NM_033109.5 (MANE Select); coding-DNA position 337, C replaced by T.
Protein change: p.Pro113Ser; replaces proline 113 with serine.
Molecular consequence: missense variant.
Genome position (GRCh38, 1-based): chr2:55,685,009, G>A on the plus strand (C>T on the coding strand, the complement: PNPT1 is on the minus strand). VCF-style: chr2-55685009-G-A. GRCh37 (hg19) VCF-style: chr2-55912144-G-A.
Other names: short protein forms P113S.
Identifiers: ClinVar variation 1524903 (VCV001524903.10), dbSNP rs930190521, ClinGen allele CA47666056.
Genomic context (GRCh38, chr2:55,685,009, plus strand): 5'-TTCGACTTGTTAGAATTTCTTTATCAGAAGTACCAATCTCTCTTCTCAGATAGTTTGTGG[G>A]AATTCTACCTGCTGCAGCAGCTTTTTGTCTGTAGTCAACCTGAAGCAGCAATAAAAAAAA-3'
Protein context (NP_149100.2, residues 103-123): RQKAAAAGRI[Pro113Ser]TNYLRREIGT

ClinVar aggregate classification (germline): Conflicting classifications of pathogenicity. Review status: criteria provided, conflicting classifications (1 of 4 stars). 3 submissions from 3 submitters: Likely pathogenic (1); Uncertain significance (2). Last evaluated 2025-10-26.

Allele frequency attached by ClinVar (database versions not stated): gnomAD 0.00001; gnomAD exomes 0.00001; TOPMed 0.00002.

Submissions (3):

Labcorp Genetics (formerly Invitae), Labcorp
Classification: Likely pathogenic. Last evaluated: 2025-10-26. Review status: criteria provided, single submitter. Criteria: Invitae Variant Classification Sherloc (09022015). Collection method: clinical testing. Allele origin: germline.
Comment: This sequence change replaces proline, which is neutral and non-polar, with serine, which is neutral and polar, at codon 113 of the PNPT1 protein (p.Pro113Ser). This variant is present in population databases (no rsID available, gnomAD 0.007%). This missense change has been observed in individual(s) with clinical features of PNPT1-related conditions (PMID: 33587123, 37432431). In at least one individual the data is consistent with being in trans (on the opposite chromosome) from a pathogenic variant. ClinVar contains an entry for this variant (Variation ID: 1524903). Invitae Evidence Modeling of protein sequence and biophysical properties (such as structural, functional, and spatial information, amino acid conservation, physicochemical variation, residue mobility, and thermodynamic stability) has been performed for this missense variant. However, the output from this modeling did not meet the statistical confidence thresholds required to predict the impact of this variant on PNPT1 protein function. In summary, the currently available evidence indicates that the variant is pathogenic, but additional data are needed to prove that conclusively. Therefore, this variant has been classified as Likely Pathogenic.

Blueprint Genetics
Classification: Uncertain significance. Last evaluated: 2020-10-04. Review status: criteria provided, single submitter. Criteria: ACMG Guidelines, 2015. Collection method: clinical testing. Allele origin: germline.

Athena Diagnostics
Classification: Uncertain significance. Last evaluated: 2019-10-31. Review status: criteria provided, single submitter. Criteria: Athena Diagnostics Criteria. Collection method: clinical testing. Allele origin: unknown.
Comment: This observation is not an independent occurrence and has been identified in the same individual by RCIGM, the other laboratory participating in the GEMINI study.

Literature cited by the submitters: PubMed 33587123 (cited by Labcorp Genetics (formerly Invitae), Labcorp); PubMed 37432431 (cited by Labcorp Genetics (formerly Invitae), Labcorp).